The following is an entry in ClinVar:

ClinVar aggregate classification (germline): Likely benign. Review status: criteria provided, single submitter (1 of 4 stars). 2 submissions from 2 submitters: Likely benign (1). 1 of the submissions does not count toward it. Last evaluated 2024-03-06.

Conditions:
PLOD1-related disorder. Also called: PLOD1-related condition.
Ehlers-Danlos syndrome, kyphoscoliotic type 1 (EDSKSCL1). Also called: PLOD1-Related Kyphoscoliotic Ehlers-Danlos Syndrome; Ehlers-Danlos syndrome, hydroxylysine-deficient; EHLERS-DANLOS SYNDROME, TYPE VIA; EHLERS-DANLOS SYNDROME, OCULAR-SCOLIOTIC TYPE. Identifiers: Orphanet 1900, MedGen C0268342, MONDO:0016002, OMIM 225400. Disease mechanism: loss of function.

Allele frequency attached by ClinVar (database versions not stated): gnomAD exomes below 0.00001.
gnomAD v4.1: 2 of 1,613,968 alleles (0.00012%); highest among the groups gnomAD compares: Non-Finnish European, 0.00017%; no homozygotes.

Submissions (2):

Labcorp Genetics (formerly Invitae), Labcorp
Classification: Likely benign for Ehlers-Danlos syndrome, kyphoscoliotic type 1. Last evaluated: 2024-03-06. Review status: criteria provided, single submitter. Criteria: Invitae Variant Classification Sherloc (09022015). Collection method: clinical testing. Allele origin: germline.

PreventionGenetics, part of Exact Sciences
Classification: Likely benign for PLOD1-related condition. Last evaluated: 2020-03-25. Review status: no assertion criteria provided. Collection method: clinical testing. Allele origin: germline. Not counted in ClinVar's aggregate classification.
Comment: This variant is classified as likely benign based on ACMG/AMP sequence variant interpretation guidelines (Richards et al. 2015 PMID: 25741868, with internal and published modifications).

NM_000302.4(PLOD1):c.183G>A (p.Gly61=)

Gene: PLOD1 (procollagen-lysine,2-oxoglutarate 5-dioxygenase 1; plus strand). Cytogenetic location: 1p36.22.
Variant type: single nucleotide variant.
Coding change: c.183G>A on transcript NM_000302.4 (MANE Select); coding-DNA position 183, G replaced by A.
Protein change: p.Gly61=; no amino-acid change (glycine 61 retained).
Molecular consequence: synonymous variant.
Genome position (GRCh38, 1-based): chr1:11,949,787, G>A. VCF-style: chr1-11949787-G-A. GRCh37 (hg19) VCF-style: chr1-12009844-G-A.
Other names: c.183G>A (NM_000302.3); c.324G>A, p.Gly108= (NM_001316320.2).
Identifiers: ClinVar variation 2786004 (VCV002786004.5), dbSNP rs2522804889, ClinGen allele CA416103524.
Genomic context (GRCh38, chr1:11,949,787, plus strand): 5'-AATATTTCTTTACCAAAAGCCCGTGTTAAGGGGTGTTTCTCTCCAGGCGCTTGGCCTAGG[G>A]GAGGACTGGAATGTGGAGAAGGGGACGTCGGCAGGTGGAGGGCAGAAGGTCCGGCTGCTG-3'
Protein context (NP_000293.2, residues 51-71): FNYKIQALGL[Gly61=]EDWNVEKGTS